The following is an entry in ClinVar:

NM_021913.5(AXL):c.241A>G (p.Ser81Gly)

Gene: AXL (AXL receptor tyrosine kinase; plus strand). Cytogenetic location: 19q13.2.
Variant type: single nucleotide variant.
Coding change: c.241A>G on transcript NM_021913.5 (MANE Select); coding-DNA position 241, A replaced by G.
Protein change: p.Ser81Gly; replaces serine 81 with glycine.
Molecular consequence: missense variant.
Genome position (GRCh38, 1-based): chr19:41,220,791, A>G. VCF-style: chr19-41220791-A-G. GRCh37 (hg19) VCF-style: chr19-41726696-A-G.
Other names: c.241A>G, p.Ser81Gly (NM_001699.6); short protein forms S81G.
Identifiers: ClinVar variation 3689842 (VCV003689842.2).

ClinVar aggregate classification (germline): Uncertain significance (1 of 4 stars; one submission).

Submission:

Labcorp Genetics (formerly Invitae), Labcorp
Classification: Uncertain significance. Last evaluated: 2024-06-02. Review status: criteria provided, single submitter. Criteria: Invitae Variant Classification Sherloc (09022015). Collection method: clinical testing. Allele origin: germline.
Comment: This sequence change replaces serine, which is neutral and polar, with glycine, which is neutral and non-polar, at codon 81 of the AXL protein (p.Ser81Gly). This variant is not present in population databases (gnomAD no frequency). This variant has not been reported in the literature in individuals affected with AXL-related conditions. Advanced modeling of protein sequence and biophysical properties (such as structural, functional, and spatial information, amino acid conservation, physicochemical variation, residue mobility, and thermodynamic stability) performed at Invitae indicates that this missense variant is not expected to disrupt AXL protein function with a negative predictive value of 80%. In summary, the available evidence is currently insufficient to determine the role of this variant in disease. Therefore, it has been classified as a Variant of Uncertain Significance.